The following is an entry in ClinVar:

NM_006030.4(CACNA2D2):c.1025T>G (p.Phe342Cys)

Gene: CACNA2D2 (calcium voltage-gated channel auxiliary subunit alpha2delta 2; minus strand). Cytogenetic location: 3p21.31.
Variant type: single nucleotide variant.
Coding change: c.1025T>G on transcript NM_006030.4 (MANE Select); coding-DNA position 1025, T replaced by G.
Protein change: p.Phe342Cys; replaces phenylalanine 342 with cysteine.
Molecular consequence: missense variant.
Genome position (GRCh38, 1-based): chr3:50,379,559, A>C on the plus strand (T>G on the coding strand, the complement: CACNA2D2 is on the minus strand). VCF-style: chr3-50379559-A-C. GRCh37 (hg19) VCF-style: chr3-50416990-A-C.
Other names: c.1025T>G, p.Phe342Cys (NM_001005505.3, NM_001174051.3); c.818T>G, p.Phe273Cys (NM_001291101.1); short protein forms F273C, F342C.
Identifiers: ClinVar variation 1009782 (VCV001009782.6), dbSNP rs1705187198, ClinGen allele CA352936698.
Genomic context (GRCh38, chr3:50,379,559, plus strand): 5'-CCCTGCACAGCTTCCTTGAACACCTTCTTGTTGCGCACATTGGCCTGCACCAGGTGTGTG[A>C]AGCATGACACAGGCTGTGCCTTCTCGTTGAACTGCAGGAACAGTAGGGTGGTGAGTGGCC-3'
Protein context (NP_006021.2, residues 332-352): FNEKAQPVSC[Phe342Cys]THLVQANVRN

ClinVar aggregate classification (germline): Uncertain significance (1 of 4 stars; one submission).

Conditions:
Early-infantile DEE. Also called: Ohtahara syndrome; Early infantile epileptic encephalopathy with suppression bursts; Early infantile epileptic encephalopathy. Identifiers: Orphanet 1934, MedGen C0393706, MONDO:0800491.

Submission:

Labcorp Genetics (formerly Invitae), Labcorp
Classification: Uncertain significance for Early-infantile DEE. Last evaluated: 2021-02-04. Review status: criteria provided, single submitter. Criteria: Invitae Variant Classification Sherloc (09022015). Collection method: clinical testing. Allele origin: germline.
Comment: Algorithms developed to predict the effect of missense changes on protein structure and function are either unavailable or do not agree on the potential impact of this missense change (SIFT: "Deleterious"; PolyPhen-2: "Probably Damaging"; Align-GVGD: "Class C0"). In summary, the available evidence is currently insufficient to determine the role of this variant in disease. Therefore, it has been classified as a Variant of Uncertain Significance. This sequence change replaces phenylalanine with cysteine at codon 342 of the CACNA2D2 protein (p.Phe342Cys). The phenylalanine residue is highly conserved and there is a large physicochemical difference between phenylalanine and cysteine. This variant is not present in population databases (ExAC no frequency). This variant has not been reported in the literature in individuals with CACNA2D2-related conditions.